The following is an entry in ClinVar:

NM_002087.4(GRN):c.1133G>C (p.Cys378Ser)

Gene: GRN (granulin precursor; plus strand). Cytogenetic location: 17q21.31.
Variant type: single nucleotide variant.
Coding change: c.1133G>C on transcript NM_002087.4 (MANE Select); coding-DNA position 1133, G replaced by C.
Protein change: p.Cys378Ser; replaces cysteine 378 with serine.
Molecular consequence: missense variant.
Genome position (GRCh38, 1-based): chr17:44,351,749, G>C. VCF-style: chr17-44351749-G-C. GRCh37 (hg19) VCF-style: chr17-42429117-G-C.
Other names: short protein forms C378S.
Identifiers: ClinVar variation 4783064 (VCV004783064.1).

ClinVar aggregate classification (germline): Uncertain significance (1 of 4 stars; one submission).

Conditions:
Neuronal ceroid lipofuscinosis 11. Also called: GRN-Related Neuronal Ceroid-Lipofuscinosis. Identifiers: Orphanet 314629, Orphanet 79262, MedGen C3539123, MONDO:0013866, OMIM 614706.
GRN-related frontotemporal lobar degeneration with Tdp43 inclusions (FTD2). Also called: DEMENTIA, HEREDITARY DYSPHASIC DISINHIBITION; FRONTOTEMPORAL LOBAR DEGENERATION WITH UBIQUITIN-POSITIVE INCLUSIONS; FTLD-TDP, GRN-RELATED; FRONTOTEMPORAL DEMENTIA WITH TDP43 INCLUSIONS, GRN-RELATED; GRN Frontotemporal Dementia. Identifiers: Orphanet 100070, Orphanet 282, MedGen C1843792, MONDO:0011842, OMIM 607485. Disease mechanism: loss of function.

Submission:

Labcorp Genetics (formerly Invitae), Labcorp
Classification: Uncertain significance for Neuronal ceroid lipofuscinosis 11; GRN-related frontotemporal lobar degeneration with Tdp43 inclusions. Last evaluated: 2025-03-26. Review status: criteria provided, single submitter. Criteria: Invitae Variant Classification Sherloc (09022015). Collection method: clinical testing. Allele origin: germline.
Comment: This sequence change replaces cysteine, which is neutral and slightly polar, with serine, which is neutral and polar, at codon 378 of the GRN protein (p.Cys378Ser). This variant is not present in population databases (gnomAD no frequency). This variant has not been reported in the literature in individuals affected with GRN-related conditions. Invitae Evidence Modeling of protein sequence and biophysical properties (such as structural, functional, and spatial information, amino acid conservation, physicochemical variation, residue mobility, and thermodynamic stability) indicates that this missense variant is expected to disrupt GRN protein function with a positive predictive value of 80%. In summary, the available evidence is currently insufficient to determine the role of this variant in disease. Therefore, it has been classified as a Variant of Uncertain Significance.